The following is an entry in ClinVar:

NM_000969.5(RPL5):c.599T>C (p.Met200Thr)

Genes: DIPK1A (divergent protein kinase domain 1A; minus strand), RPL5 (ribosomal protein L5; plus strand). Cytogenetic location: 1p22.1.
Variant type: single nucleotide variant.
Coding change: c.599T>C on transcript NM_000969.5 (MANE Select); coding-DNA position 599, T replaced by C.
Protein change: p.Met200Thr; replaces methionine 200 with threonine.
Molecular consequence: missense variant. On other transcripts: non-coding transcript variant (1), intron variant (1).
Genome position (GRCh38, 1-based): chr1:92,837,527, T>C. VCF-style: chr1-92837527-T-C. GRCh37 (hg19) VCF-style: chr1-93303084-T-C.
Other names: c.475-4493A>G (NM_001252273.2); short protein forms M200T.
Identifiers: ClinVar variation 1443487 (VCV001443487.9), dbSNP rs773325598, ClinGen allele CA26759641.

ClinVar aggregate classification (germline): Uncertain significance. Review status: criteria provided, multiple submitters, no conflicts (2 of 4 stars). 2 submissions from 2 submitters: Uncertain significance (2). Last evaluated 2025-06-03.

Conditions:
Diamond-Blackfan anemia. Also called: Blackfan Diamond syndrome; Aregenerative anemia chronic congenital; Red cell aplasia, pure hereditary; Congenital hypoplastic anemia; Aase syndrome. Identifiers: Orphanet 124, MedGen C1260899, MeSH D029503, MONDO:0015253, HP:0004810.
Diamond-Blackfan anemia 6 (DBA6). Also called: RPL5-Related Diamond-Blackfan Anemia. Identifiers: Orphanet 124, MedGen C2931850, MONDO:0012937, OMIM 612561.

Allele frequency attached by ClinVar (database versions not stated): gnomAD exomes 0.00001 and 0.00002; gnomAD 0.00003 and 0.00002; TOPMed 0.00002.
gnomAD v4.1: 26 of 1,612,162 alleles (0.0016%); highest among the groups gnomAD compares: African/African-American, 0.0027%; no homozygotes.

Submissions (2):

Labcorp Genetics (formerly Invitae), Labcorp
Classification: Uncertain significance for Diamond-Blackfan anemia. Last evaluated: 2025-06-03. Review status: criteria provided, single submitter. Criteria: Invitae Variant Classification Sherloc (09022015). Collection method: clinical testing. Allele origin: germline.
Comment: This sequence change replaces methionine, which is neutral and non-polar, with threonine, which is neutral and polar, at codon 200 of the RPL5 protein (p.Met200Thr). The frequency data for this variant in the population databases is considered unreliable, as metrics indicate poor data quality at this position in the gnomAD database. This variant has not been reported in the literature in individuals affected with RPL5-related conditions. ClinVar contains an entry for this variant (Variation ID: 1443487). Invitae Evidence Modeling of protein sequence and biophysical properties (such as structural, functional, and spatial information, amino acid conservation, physicochemical variation, residue mobility, and thermodynamic stability) indicates that this missense variant is not expected to disrupt RPL5 protein function with a negative predictive value of 80%. In summary, the available evidence is currently insufficient to determine the role of this variant in disease. Therefore, it has been classified as a Variant of Uncertain Significance.

Fulgent Genetics
Classification: Uncertain significance for Diamond-Blackfan anemia 6. Last evaluated: 2021-12-04. Review status: criteria provided, single submitter. Criteria: ACMG Guidelines, 2015. Collection method: clinical testing. Allele origin: unknown.